The following is an entry in ClinVar:

ClinVar aggregate classification (germline): Conflicting classifications of pathogenicity. Review status: criteria provided, conflicting classifications (1 of 4 stars). 9 submissions from 9 submitters: Uncertain significance (1); Benign (1); Likely benign (7). Last evaluated 2025-12-31.

Conditions:
TRPV4-related disorder. Also called: TRPV4-related condition; TRPV4-related disorders.
Connective tissue disorder. Also called: Connective tissue disease. Identifiers: MedGen C0009782, MONDO:0003900.
Inborn genetic diseases. Identifiers: MedGen C0950123, MeSH D030342.
Charcot-Marie-Tooth disease. Also called: Charcot-Marie-Tooth Hereditary Neuropathy; Charcot-Marie-Tooth Neuropathy. Identifiers: Orphanet 166, MedGen C0007959, MONDO:0015626.
Charcot-Marie-Tooth disease axonal type 2C (HMSN2C). Also called: Charcot-Marie-Tooth Disease Type 2, TRPV4-Related (CMT2C); CHARCOT-MARIE-TOOTH DISEASE, AXONAL, AUTOSOMAL DOMINANT, TYPE 2C; Charcot-Marie-Tooth Neuropathy Type 2C. Identifiers: Orphanet 99937, MedGen C1853710, MONDO:0011633, OMIM 606071.

Allele frequency attached by ClinVar (database versions not stated): gnomAD exomes 0.00023; ExAC 0.00029; gnomAD 0.00088 and 0.00096; TOPMed 0.00099; 1000 Genomes Project 0.00100; ESP Exome Variant Server 0.00100; 1000 Genomes Project 30x 0.00109.
gnomAD v4.1: 270 of 1,614,116 alleles (0.017%); highest among the groups gnomAD compares: African/African-American, 0.28%; no homozygotes.

Submissions (9):

Labcorp Genetics (formerly Invitae), Labcorp
Classification: Likely benign for Charcot-Marie-Tooth disease axonal type 2C. Last evaluated: 2025-12-31. Review status: criteria provided, single submitter. Criteria: Invitae Variant Classification Sherloc (09022015). Collection method: clinical testing. Allele origin: germline.

Women's Health and Genetics/Laboratory Corporation of America, LabCorp
Classification: Likely benign. Last evaluated: 2025-12-02. Review status: criteria provided, single submitter. Criteria: LabCorp Variant Classification Summary - May 2015. Collection method: clinical testing. Allele origin: germline.

CeGaT Center for Human Genetics Tuebingen
Classification: Likely benign. Last evaluated: 2025-09-01. Review status: criteria provided, single submitter. Criteria: CeGaT Center For Human Genetics Tuebingen Variant Classification Criteria Version 2. Collection method: clinical testing. Allele origin: germline. Affected: yes. Observed: 1 variant allele.
Comment: TRPV4: BS1

PreventionGenetics, part of Exact Sciences
Classification: Likely benign for TRPV4-related condition. Last evaluated: 2025-05-14. Review status: criteria provided, single submitter. Criteria: ACMG Guidelines, 2015. Collection method: clinical testing. Allele origin: germline.
Comment: This variant is classified as likely benign based on ACMG/AMP sequence variant interpretation guidelines (Richards et al. 2015 PMID: 25741868, with internal and published modifications).

ARUP Laboratories, Molecular Genetics and Genomics, ARUP Laboratories
Classification: Likely benign. Last evaluated: 2021-01-29. Review status: criteria provided, single submitter. Criteria: ARUP Molecular Germline Variant Investigation Process 2021. Collection method: clinical testing. Allele origin: germline.

GeneDx
Classification: Benign. Last evaluated: 2020-02-21. Review status: criteria provided, single submitter. Criteria: GeneDx Variant Classification Process June 2021. Collection method: clinical testing. Allele origin: germline. Affected: yes.
Comment: Has not been previously published as pathogenic or benign to our knowledge; This variant is associated with the following publications: (PMID: 32641076)

Ambry Genetics
Classification: Likely benign for Inborn genetic diseases. Last evaluated: 2020-02-03. Review status: criteria provided, single submitter. Criteria: Ambry Variant Classification Scheme 2023. Collection method: clinical testing. Allele origin: germline.

Genome Diagnostics Laboratory, The Hospital for Sick Children
Classification: Uncertain significance for Connective tissue disorder. Last evaluated: 2019-05-01. Review status: criteria provided, single submitter. Criteria: ACMG Guidelines, 2015. Collection method: clinical testing. Allele origin: germline.

Molecular Genetics Laboratory, London Health Sciences Centre
Classification: Likely benign for Charcot-Marie-Tooth disease. Review status: criteria provided, single submitter. Criteria: ACMG Guidelines, 2015. Collection method: clinical testing. Allele origin: germline. Affected: yes.

NM_021625.5(TRPV4):c.1913C>T (p.Pro638Leu)

Gene: TRPV4 (transient receptor potential cation channel subfamily V member 4; minus strand). Cytogenetic location: 12q24.11.
Variant type: single nucleotide variant.
Coding change: c.1913C>T on transcript NM_021625.5 (MANE Select); coding-DNA position 1913, C replaced by T.
Protein change: p.Pro638Leu; replaces proline 638 with leucine.
Molecular consequence: missense variant.
Genome position (GRCh38, 1-based): chr12:109,788,695, G>A on the plus strand (C>T on the coding strand, the complement: TRPV4 is on the minus strand). VCF-style: chr12-109788695-G-A. GRCh37 (hg19) VCF-style: chr12-110226500-G-A.
Other names: c.1733C>T, p.Pro578Leu (NM_147204.3); c.1772C>T, p.Pro591Leu (NM_001177428.2); c.1811C>T, p.Pro604Leu (NM_001177431.2); c.1592C>T, p.Pro531Leu (NM_001177433.2); short protein forms P638L, P591L, P531L, P578L, P604L.
Identifiers: ClinVar variation 418525 (VCV000418525.36), dbSNP rs35058636, ClinGen allele CA6780047.